The following is an entry in ClinVar:

ClinVar aggregate classification (germline): Uncertain significance (1 of 4 stars; one submission).

Conditions:
Familial intrahepatic cholestasis. Identifiers: Orphanet 284385, MedGen CN296401, MONDO:0017290.

Submission:

Genomenon, Inc
Classification: Uncertain significance for Familial intrahepatic cholestasis. Last evaluated: 2026-04-14. Review status: criteria provided, single submitter. Criteria: Genomenon Sequence Variant Interpretation Standards - Updated. Collection method: curation. Allele origin: germline. Affected: yes.
Comment: ABCB4 p.Glu1118Lys (c.3352G>A) is a missense variant that changes the amino acid at residue 1118 from Glutamic acid to Lysine. This variant has been observed in at least one proband with an ABCB4-related disorder (PMID:24594635). At least one functional study has demonstrated a substantial alteration in protein function relative to the wild-type (PMID:24594635). It is absent or not present at a significant frequency in gnomAD. In silico models predict that this variant is possibly or probably damaging. In conclusion, we classify ABCB4 p.Glu1118Lys (c.3352G>A) as a variant of uncertain significance.

Literature cited by the submitters: PubMed 24594635.

NM_000443.4(ABCB4):c.3352G>A (p.Glu1118Lys)

Gene: ABCB4 (ATP binding cassette subfamily B member 4; minus strand). Cytogenetic location: 7q21.12.
Variant type: single nucleotide variant.
Coding change: c.3352G>A on transcript NM_000443.4 (MANE Select); coding-DNA position 3352, G replaced by A.
Protein change: p.Glu1118Lys; replaces glutamic acid 1118 with lysine.
Molecular consequence: missense variant.
Genome position (GRCh38, 1-based): chr7:87,406,422, C>T on the plus strand (G>A on the coding strand, the complement: ABCB4 is on the minus strand). VCF-style: chr7-87406422-C-T. GRCh37 (hg19) VCF-style: chr7-87035738-C-T.
Other names: c.3373G>A, p.Glu1125Lys (NM_018849.3); c.3211G>A, p.Glu1071Lys (NM_018850.3); short protein forms E1071K, E1118K, E1125K.
Identifiers: ClinVar variation 4846426 (VCV004846426.1).